The following is an entry in ClinVar:

ClinVar aggregate classification (germline): Uncertain significance (1 of 4 stars; one submission).

Submission:

GeneDx
Classification: Uncertain significance. Last evaluated: 2023-04-13. Review status: criteria provided, single submitter. Criteria: GeneDx Variant Classification Process June 2021. Collection method: clinical testing. Allele origin: germline. Affected: yes.
Comment: Not observed at significant frequency in large population cohorts (gnomAD); In silico analysis supports that this missense variant has a deleterious effect on protein structure/function; Has not been previously published as pathogenic or benign to our knowledge

NM_001385012.1(NBEA):c.7504T>C (p.Phe2502Leu)

Gene: NBEA (neurobeachin; plus strand). Cytogenetic location: 13q13.3.
Variant type: single nucleotide variant.
Coding change: c.7504T>C on transcript NM_001385012.1 (MANE Select); coding-DNA position 7504, T replaced by C.
Protein change: p.Phe2502Leu; replaces phenylalanine 2502 with leucine.
Molecular consequence: missense variant.
Genome position (GRCh38, 1-based): chr13:35,628,135, T>C. VCF-style: chr13-35628135-T-C. GRCh37 (hg19) VCF-style: chr13-36202272-T-C.
Other names: c.883T>C, p.Phe295Leu (NM_001204197.3); c.7495T>C, p.Phe2499Leu (NM_001379245.1); c.7504T>C, p.Phe2502Leu (NM_015678.5); short protein forms F2499L, F2502L, F295L.
Identifiers: ClinVar variation 2662126 (VCV002662126.1), dbSNP rs2549940437, ClinGen allele CA387987723.